The following is an entry in ClinVar:

ClinVar aggregate classification (germline): Uncertain significance (1 of 4 stars; one submission).

Conditions:
Generalized epilepsy with febrile seizures plus, type 7 (GEFSP7). Also called: GEFS+, TYPE 7. Identifiers: Orphanet 36387, MedGen C2751778, MONDO:0013470, OMIM 613863.
Neuropathy, hereditary sensory and autonomic, type 2A (HSAN2A). Also called: HSAN IIA; ACROOSTEOLYSIS, GIACCAI TYPE; ACROOSTEOLYSIS, NEUROGENIC; WNK1-Related HSAN2 (HSAN2A); MORVAN DISEASE; NEUROPATHY, CONGENITAL SENSORY. Identifiers: Orphanet 970, MedGen C2752089, MONDO:0024309, OMIM 201300.

Submission:

Labcorp Genetics (formerly Invitae), Labcorp
Classification: Uncertain significance for Neuropathy, hereditary sensory and autonomic, type 2A; Generalized epilepsy with febrile seizures plus, type 7. Last evaluated: 2022-09-13. Review status: criteria provided, single submitter. Criteria: Invitae Variant Classification Sherloc (09022015). Collection method: clinical testing. Allele origin: germline.
Comment: This sequence change creates a premature translational stop signal (p.Ser1842Argfs*26) in the SCN9A gene. While this is not anticipated to result in nonsense mediated decay, it is expected to disrupt the last 136 amino acid(s) of the SCN9A protein. This variant is not present in population databases (gnomAD no frequency). This variant has not been reported in the literature in individuals affected with SCN9A-related conditions. Algorithms developed to predict the effect of sequence changes on RNA splicing suggest that this variant may create or strengthen a splice site. In summary, the available evidence is currently insufficient to determine the role of this variant in disease. Therefore, it has been classified as a Variant of Uncertain Significance.

NM_001365536.1(SCN9A):c.5558dup (p.Ser1853fs)

Genes: SCN9A (sodium voltage-gated channel alpha subunit 9; minus strand), SCN1A-AS1 (SCN1A and SCN9A antisense RNA 1; plus strand). Cytogenetic location: 2q24.3.
Variant type: Duplication.
Coding change: c.5558dup on transcript NM_001365536.1 (MANE Select); coding-DNA position 5558, one base duplicated (G; older notation c.5558dupG).
Protein change: p.Ser1853fs; shifts the reading frame from serine 1853.
Molecular consequence: frameshift variant.
Genome position (GRCh38, 1-based): chr2:166,199,081, C duplicated on the plus strand (G on the coding strand, the reverse complement: SCN9A is on the minus strand). VCF-style (leftmost placement, unchanged base first): chr2-166199080-A-AC. GRCh37 (hg19) VCF-style: chr2-167055590-A-AC.
Other names: c.5525dup, p.Ser1842Argfs (NM_002977.4); short protein forms S1853fs, S1842fs.
Identifiers: ClinVar variation 2152487 (VCV002152487.1), dbSNP rs2468875479, ClinGen allele CA2580064338.